The following is an entry in ClinVar:

ClinVar aggregate classification (germline): Benign (1 of 4 stars; one submission).

Conditions:
Familial cancer of breast. Also called: BREAST CANCER, FAMILIAL; Hereditary breast cancer; hereditary breast carcinoma. Identifiers: Orphanet 227535, MedGen C0346153, MONDO:0016419, OMIM 114480. Disease mechanism: loss of function.

gnomAD v4.1: 6 of 1,613,718 alleles (0.00037%); highest among the groups gnomAD compares: East Asian, 0.0067%; no homozygotes.

Submission:

Myriad Genetics, Inc.
Classification: Benign for Familial cancer of breast. Last evaluated: 2024-10-01. Review status: criteria provided, single submitter. Criteria: Myriad Autosomal Dominant, Autosomal Recessive and X-Linked Classification Criteria (2023). Collection method: clinical testing. Allele origin: unknown.
Comment: This variant is considered benign. This variant occurs in the non-coding 3' untranslated region of the gene, and is not expected to impact protein function.

NM_000051.4(ATM):c.*9A>G

Genes: ATM (ATM serine/threonine kinase; plus strand), C11orf65 (chromosome 11 open reading frame 65; minus strand). Cytogenetic location: 11q22.3.
Variant type: single nucleotide variant.
Coding change: c.*9A>G on transcript NM_000051.4 (MANE Select); 9 bases downstream of the stop codon, A replaced by G.
Molecular consequence: 3 prime UTR variant. On other transcripts: intron variant (2).
Genome position (GRCh38, 1-based): chr11:108,365,517, A>G. VCF-style: chr11-108365517-A-G. GRCh37 (hg19) VCF-style: chr11-108236244-A-G.
Other names: c.*9A>G (NM_001351834.2); c.640+20403T>C (NM_001330368.2); c.694+20403T>C (NM_001351110.2).
Identifiers: ClinVar variation 3772765 (VCV003772765.1).